The following is an entry in ClinVar:

NM_001844.5(COL2A1):c.179G>C (p.Gly60Ala)

Gene: COL2A1 (collagen type II alpha 1 chain; minus strand). Cytogenetic location: 12q13.11.
Variant type: single nucleotide variant.
Coding change: c.179G>C on transcript NM_001844.5 (MANE Select); coding-DNA position 179, G replaced by C.
Protein change: p.Gly60Ala; replaces glycine 60 with alanine.
Molecular consequence: missense variant. On other transcripts: intron variant (1).
Genome position (GRCh38, 1-based): chr12:48,000,032, C>G on the plus strand (G>C on the coding strand, the complement: COL2A1 is on the minus strand). VCF-style: chr12-48000032-C-G. GRCh37 (hg19) VCF-style: chr12-48393815-C-G.
Other names: c.86-1601G>C (NM_033150.3); short protein forms G60A.
Identifiers: ClinVar variation 2085634 (VCV002085634.4), dbSNP rs2540187654, ClinGen allele CA384526327.

ClinVar aggregate classification (germline): Uncertain significance (1 of 4 stars; one submission).

Submission:

Labcorp Genetics (formerly Invitae), Labcorp
Classification: Uncertain significance. Last evaluated: 2022-01-16. Review status: criteria provided, single submitter. Criteria: Invitae Variant Classification Sherloc (09022015). Collection method: clinical testing. Allele origin: germline.
Comment: In summary, the available evidence is currently insufficient to determine the role of this variant in disease. Therefore, it has been classified as a Variant of Uncertain Significance. Advanced modeling of protein sequence and biophysical properties (such as structural, functional, and spatial information, amino acid conservation, physicochemical variation, residue mobility, and thermodynamic stability) performed at Invitae indicates that this missense variant is not expected to disrupt COL2A1 protein function. This variant has not been reported in the literature in individuals affected with COL2A1-related conditions. This variant is not present in population databases (gnomAD no frequency). This sequence change replaces glycine, which is neutral and non-polar, with alanine, which is neutral and non-polar, at codon 60 of the COL2A1 protein (p.Gly60Ala).